The following is an entry in ClinVar:

ClinVar aggregate classification (germline): Conflicting classifications of pathogenicity. Review status: criteria provided, conflicting classifications (1 of 4 stars). 2 submissions from 2 submitters: Uncertain significance (1); Likely benign (1). Last evaluated 2026-03-25.

Conditions:
PCNT-related disorder. Also called: PCNT-related condition.

Allele frequency attached by ClinVar (database versions not stated): ExAC 0.00003; TOPMed 0.00003; gnomAD 0.00005; ESP Exome Variant Server 0.00008; gnomAD exomes 0.00014.
gnomAD v4.1: 211 of 1,614,110 alleles (0.013%); highest among the groups gnomAD compares: Non-Finnish European, 0.017%; no homozygotes.

Submissions (2):

PreventionGenetics, part of Exact Sciences
Classification: Uncertain significance for PCNT-related condition. Last evaluated: 2026-03-25. Review status: criteria provided, single submitter. Criteria: ACMG Guidelines, 2015. Collection method: clinical testing. Allele origin: germline.
Comment: The PCNT c.3654G>A variant is not predicted to result in an amino acid change (p.=). To our knowledge, this variant has not been reported in the literature. This variant is predicted to impact splicing based on available splicing prediction programs (SpliceAI, Jaganathan et al. 2019. PubMed ID: 30661751); however, the use of computer prediction programs is not equivalent to functional evidence. This variant is reported in 0.0085% of alleles in individuals of European (Non-Finnish) descent in gnomAD. At this time, the clinical significance of this variant is uncertain due to the absence of conclusive functional and genetic evidence.

Labcorp Genetics (formerly Invitae), Labcorp
Classification: Likely benign. Last evaluated: 2025-12-10. Review status: criteria provided, single submitter. Criteria: Invitae Variant Classification Sherloc (09022015). Collection method: clinical testing. Allele origin: germline.

NM_006031.6(PCNT):c.3654G>A (p.Leu1218=)

Gene: PCNT (pericentrin; plus strand). Cytogenetic location: 21q22.3.
Variant type: single nucleotide variant.
Coding change: c.3654G>A on transcript NM_006031.6 (MANE Select); coding-DNA position 3654, G replaced by A.
Protein change: p.Leu1218=; no amino-acid change (leucine 1218 retained).
Molecular consequence: synonymous variant.
Genome position (GRCh38, 1-based): chr21:46,389,245, G>A. VCF-style: chr21-46389245-G-A. GRCh37 (hg19) VCF-style: chr21-47809160-G-A.
Other names: c.3300G>A, p.Leu1100= (NM_001315529.2); c.3654G>A (NM_006031.5).
Identifiers: ClinVar variation 2146902 (VCV002146902.7), dbSNP rs368389898, ClinGen allele CA10079411.